The following is an entry in ClinVar:

NM_001543.5(NDST1):c.2271C>T (p.Tyr757=)

Gene: NDST1 (N-deacetylase and N-sulfotransferase 1; plus strand). Cytogenetic location: 5q33.1.
Variant type: single nucleotide variant.
Coding change: c.2271C>T on transcript NM_001543.5 (MANE Select); coding-DNA position 2271, C replaced by T.
Protein change: p.Tyr757=; no amino-acid change (tyrosine 757 retained).
Molecular consequence: synonymous variant. On other transcripts: intron variant (1).
Genome position (GRCh38, 1-based): chr5:150,548,343, C>T. VCF-style: chr5-150548343-C-T. GRCh37 (hg19) VCF-style: chr5-149927905-C-T.
Other names: c.2146-1335C>T (NM_001301063.2).
Identifiers: ClinVar variation 722110 (VCV000722110.45), dbSNP rs146085225, ClinGen allele CA3512923.

ClinVar aggregate classification (germline): Likely benign. Review status: criteria provided, multiple submitters, no conflicts (2 of 4 stars). 4 submissions from 4 submitters: Likely benign (4). Last evaluated 2026-08-01.

Allele frequency attached by ClinVar (database versions not stated): ExAC 0.00084; gnomAD 0.00085 and 0.00093; gnomAD exomes 0.00088 and 0.00123; TOPMed 0.00118; ESP Exome Variant Server 0.00154; 1000 Genomes Project 30x 0.00078; 1000 Genomes Project 0.00080.
gnomAD v4.1: 1,924 of 1,613,858 alleles (0.12%); highest among the groups gnomAD compares: Admixed American, 0.16%; 2 homozygotes.

Submissions (4):

CeGaT Center for Human Genetics Tuebingen
Classification: Likely benign. Last evaluated: 2026-08-01. Review status: criteria provided, single submitter. Criteria: CeGaT Center For Human Genetics Tuebingen Variant Classification Criteria Version 2. Collection method: clinical testing. Allele origin: germline. Affected: yes. Observed: 10 variant alleles.
Comment: NDST1: BP4, BP7

Labcorp Genetics (formerly Invitae), Labcorp
Classification: Likely benign. Last evaluated: 2025-12-25. Review status: criteria provided, single submitter. Criteria: Invitae Variant Classification Sherloc (09022015). Collection method: clinical testing. Allele origin: germline.

Blueprint Genetics
Classification: Likely benign. Last evaluated: 2024-11-25. Review status: criteria provided, single submitter. Criteria: ACMG Guidelines, 2015. Collection method: clinical testing. Allele origin: germline.

Genetic Services Laboratory, University of Chicago
Classification: Likely benign. Last evaluated: 2019-01-07. Review status: criteria provided, single submitter. Criteria: ACMG Guidelines, 2015. Collection method: clinical testing. Allele origin: germline. Affected: no.